The following is an entry in ClinVar:

ClinVar aggregate classification (germline): Uncertain significance (1 of 4 stars; one submission).

Conditions:
Developmental and epileptic encephalopathy, 25 (DEE25). Also called: Developmental and epileptic encephalopathy 25, with amelogenesis imperfecta; Epileptic encephalopathy, early infantile, 25, with amelogenesis imperfecta; Epileptic encephalopathy, early infantile, 25. Identifiers: Orphanet 442835, MedGen C4014621, MONDO:0014392, OMIM 615905.

Allele frequency attached by ClinVar (database versions not stated): gnomAD exomes 0.00002.
gnomAD v4.1: 24 of 1,614,156 alleles (0.0015%); highest among the groups gnomAD compares: Non-Finnish European, 0.0019%; no homozygotes.

Submission:

Labcorp Genetics (formerly Invitae), Labcorp
Classification: Uncertain significance for Developmental and epileptic encephalopathy, 25. Last evaluated: 2021-12-25. Review status: criteria provided, single submitter. Criteria: Invitae Variant Classification Sherloc (09022015). Collection method: clinical testing. Allele origin: germline.
Comment: This sequence change replaces isoleucine, which is neutral and non-polar, with valine, which is neutral and non-polar, at codon 475 of the SLC13A5 protein (p.Ile475Val). This variant is present in population databases (no rsID available, gnomAD no frequency). This variant has not been reported in the literature in individuals affected with SLC13A5-related conditions. Algorithms developed to predict the effect of missense changes on protein structure and function (SIFT, PolyPhen-2, Align-GVGD) all suggest that this variant is likely to be tolerated. In summary, the available evidence is currently insufficient to determine the role of this variant in disease. Therefore, it has been classified as a Variant of Uncertain Significance.

NM_177550.5(SLC13A5):c.1423A>G (p.Ile475Val)

Gene: SLC13A5 (solute carrier family 13 member 5; minus strand). Cytogenetic location: 17p13.1.
Variant type: single nucleotide variant.
Coding change: c.1423A>G on transcript NM_177550.5 (MANE Select); coding-DNA position 1423, A replaced by G.
Protein change: p.Ile475Val; replaces isoleucine 475 with valine.
Molecular consequence: missense variant.
Genome position (GRCh38, 1-based): chr17:6,690,793, T>C on the plus strand (A>G on the coding strand, the complement: SLC13A5 is on the minus strand). VCF-style: chr17-6690793-T-C. GRCh37 (hg19) VCF-style: chr17-6594112-T-C.
Other names: c.1423A>G, p.Ile475Val (NM_001143838.3); c.1372A>G, p.Ile458Val (NM_001284509.2); c.1294A>G, p.Ile432Val (NM_001284510.2); short protein forms I458V, I475V, I432V.
Identifiers: ClinVar variation 2044910 (VCV002044910.3), dbSNP rs1223917376, ClinGen allele CA397739460.